The following is an entry in ClinVar:

ClinVar aggregate classification (germline): Pathogenic. Review status: criteria provided, single submitter (1 of 4 stars). 2 submissions from 2 submitters: Pathogenic (1). 1 of the submissions does not count toward it. Last evaluated 2012-11-13.

Submissions (2):

Eurofins Ntd Llc (ga)
Classification: Pathogenic. Last evaluated: 2012-11-13. Review status: criteria provided, single submitter. Criteria: EGL Classification Definitions. Collection method: clinical testing. Allele origin: germline. Observed: 1 variant allele, 1 hemizygote.

GenMed Metabolism Lab
Classification: Pathogenic. Review status: no assertion criteria provided. Collection method: not provided. Allele origin: unknown. Not counted in ClinVar's aggregate classification.
Comment: Neonatal, Donor splice site error
ClinVar note: Converted during submission from pathogenic to Pathogenic.

NM_000531.6(OTC):c.540+2T>C

Gene: OTC (ornithine transcarbamylase; plus strand). Cytogenetic location: Xp11.4.
Variant type: single nucleotide variant.
Coding change: c.540+2T>C on transcript NM_000531.6 (MANE Select); the canonical splice donor site of the intron after coding-DNA position 540, T replaced by C.
Molecular consequence: splice donor variant.
Genome position (GRCh38, 1-based): chrX:38,401,430, T>C. VCF-style: chrX-38401430-T-C. GRCh37 (hg19) VCF-style: chrX-38260683-T-C.
Other names: c.540+2T>C (NM_001407092.1).
Identifiers: ClinVar variation 93221 (VCV000093221.7), dbSNP rs67367843, ClinGen allele CA221091.